The following is an entry in ClinVar:

ClinVar aggregate classification (germline): Uncertain significance (1 of 4 stars; one submission).

Conditions:
NKX2.5-related congenital, conduction and myopathic heart disease. Identifiers: MedGen CN372093, MONDO:0800441.

Submission:

GeneDx
Classification: Uncertain significance. Last evaluated: 2026-03-25. Review status: criteria provided, single submitter. Criteria: GeneDx Variant Classification Process June 2021. Collection method: clinical testing. Allele origin: germline.
Comment: Not observed at significant frequency in large population cohorts (gnomAD); In silico analysis suggests that this missense variant does not alter protein structure/function; Has not been previously published as pathogenic or benign to our knowledge

NM_004387.4(NKX2-5):c.773G>A (p.Gly258Asp)

Gene: NKX2-5 (NK2 homeobox 5; minus strand). Cytogenetic location: 5q35.1.
Variant type: single nucleotide variant.
Coding change: c.773G>A on transcript NM_004387.4 (MANE Select); coding-DNA position 773, G replaced by A.
Protein change: p.Gly258Asp; replaces glycine 258 with aspartic acid.
Molecular consequence: missense variant. On other transcripts: 3 prime UTR variant (2).
Genome position (GRCh38, 1-based): chr5:173,232,771, C>T on the plus strand (G>A on the coding strand, the complement: NKX2-5 is on the minus strand). VCF-style: chr5-173232771-C-T. GRCh37 (hg19) VCF-style: chr5-172659774-C-T.
Other names: c.*726G>A (NM_001166175.2); c.*572G>A (NM_001166176.2); short protein forms G258D.
Identifiers: ClinVar variation 4527855 (VCV004527855.3).